The following is an entry in ClinVar:

ClinVar aggregate classification (germline): Likely benign. Review status: criteria provided, multiple submitters, no conflicts (2 of 4 stars). 2 submissions from 2 submitters: Likely benign (2). Last evaluated 2023-05-20.

Conditions:
Episodic kinesigenic dyskinesia (EKD). Also called: Paroxysmal kinesigenic dyskinesia. Identifiers: Orphanet 98809, MedGen C1868682, MONDO:0044202.

Allele frequency attached by ClinVar (database versions not stated): gnomAD 0.00001; gnomAD exomes 0.00001; TOPMed 0.00002.

Submissions (2):

Labcorp Genetics (formerly Invitae), Labcorp
Classification: Likely benign for Episodic kinesigenic dyskinesia. Last evaluated: 2023-05-20. Review status: criteria provided, single submitter. Criteria: Invitae Variant Classification Sherloc (09022015). Collection method: clinical testing. Allele origin: germline.

GeneDx
Classification: Likely benign. Last evaluated: 2015-11-10. Review status: criteria provided, single submitter. Criteria: GeneDx Variant Classification (06012015). Collection method: clinical testing. Allele origin: germline. Affected: yes.
Comment: This variant is considered likely benign or benign based on one or more of the following criteria: it is a conservative change, it occurs at a poorly conserved position in the protein, it is predicted to be benign by multiple in silico algorithms, and/or has population frequency not consistent with disease.

NM_145239.3(PRRT2):c.936A>T (p.Val312=)

Genes: MVP-DT (MVP divergent transcript; minus strand), PRRT2 (proline rich transmembrane protein 2; plus strand). Cytogenetic location: 16p11.2.
Variant type: single nucleotide variant.
Coding change: c.936A>T on transcript NM_145239.3 (MANE Select); coding-DNA position 936, A replaced by T.
Protein change: p.Val312=; no amino-acid change (valine 312 retained).
Molecular consequence: synonymous variant. On other transcripts: 3 prime UTR variant (1).
Genome position (GRCh38, 1-based): chr16:29,814,389, A>T. VCF-style: chr16-29814389-A-T. GRCh37 (hg19) VCF-style: chr16-29825710-A-T.
Other names: c.936A>T, p.Val312= (NM_001256442.2); c.*435A>T (NM_001256443.2).
Identifiers: ClinVar variation 380594 (VCV000380594.10), dbSNP rs1057520864, ClinGen allele CA16607396.
Genomic context (GRCh38, chr16:29,814,389, plus strand): 5'-CCAGTCCCGGAACAGCCTGCAGCAGGGGGACGTGGACGGGGCCCAGCGTCTGGGCCGGGT[A>T]GCCAAGCTCTTAAGCATCGTGGCGCTGGTGGGGGGAGTCCTCATCATCATCGCCTCCTGC-3'
Protein context (NP_660282.2, residues 302-322): DVDGAQRLGR[Val312=]AKLLSIVALV